The following is an entry in ClinVar:

NM_000545.8(HNF1A):c.794A>C (p.Tyr265Ser)

Gene: HNF1A (HNF1 homeobox A; plus strand). Cytogenetic location: 12q24.31.
Variant type: single nucleotide variant.
Coding change: c.794A>C on transcript NM_000545.8 (MANE Select); coding-DNA position 794, A replaced by C.
Protein change: p.Tyr265Ser; replaces tyrosine 265 with serine.
Molecular consequence: missense variant.
Genome position (GRCh38, 1-based): chr12:120,994,244, A>C. VCF-style: chr12-120994244-A-C. GRCh37 (hg19) VCF-style: chr12-121432047-A-C.
Other names: NM_000545.8(HNF1A):c.794A>C; p.Tyr265Ser; c.794A>C, p.Tyr265Ser (NM_001306179.2); short protein forms Y265S.
Identifiers: ClinVar variation 447501 (VCV000447501.10), dbSNP rs1555212006, ClinGen allele CA386966192.
Genomic context (GRCh38, chr12:120,994,244, plus strand): 5'-GGGTGTCCCCATCACAGGCACAGGGGCTGGGCTCCAACCTCGTCACGGAGGTGCGTGTCT[A>C]CAACTGGTTTGCCAACCGGCGCAAAGAAGAAGCCTTCCGGCACAAGCTGGCCATGGACAC-3'
Protein context (NP_000536.6, residues 255-275): GSNLVTEVRV[Tyr265Ser]NWFANRRKEE

ClinVar aggregate classification (germline): Uncertain significance. Review status: reviewed by expert panel (3 of 4 stars). 5 submissions from 5 submitters: Uncertain significance (1). 4 of the submissions do not count toward it. Last evaluated 2025-07-24.

Conditions:
Monogenic diabetes. Identifiers: Orphanet 183625, MedGen C3888631, MONDO:0015967.
Maturity-onset diabetes of the young (MODY). Also called: Maturity onset diabetes mellitus in young. Identifiers: Orphanet 552, MedGen C0342276, MONDO:0018911, HP:0004904.

Submissions (5):

ClinGen Monogenic Diabetes Variant Curation Expert Panel
Classification: Uncertain significance for Monogenic diabetes. Last evaluated: 2025-07-24. Review status: reviewed by expert panel. Criteria: ClinGen Diabetes ACMG Specifications HNF1A V3.0.0. Collection method: curation. Allele origin: germline. Inheritance: Autosomal dominant inheritance.
Comment: The c.794A>C variant in the HNF1 homeobox A gene, HNF1A, causes an amino acid change of tyrosine to serine at codon 265 (p.Tyr265Ser) of NM_000545.8. This variant resides in an amino acid within the HNF1α DNA binding domain that directly binds DNA, which is defined as critical for the protein’s function by the ClinGen MDEP (PM1). Also, this variant is absent from gnomAD v4.1.0 (PM2_Supporting). This variant is predicted to be deleterious by computational evidence, with a REVEL score of 0.938, which is greater than the MDEP VCEP threshold of 0.70 (PP3). Another missense variant, c.794A>G (p.Tyr265Cys), has been classified as a VUS by the ClinGen MDEP; therefore, PM5 will not be applied. In summary, c.794A>C meets the criteria to be classified as a variant of uncertain significance for monogenic diabetes. ACMG/AMP criteria applied, as specified by the ClinGen MDEP (specification version 3.0.0, approved 6/30/2025): PM1, PM2_Supporting, PP3

Women's Health and Genetics/Laboratory Corporation of America, LabCorp
Classification: Uncertain significance. Last evaluated: 2023-11-10. Review status: criteria provided, single submitter. Criteria: LabCorp Variant Classification Summary - May 2015. Collection method: clinical testing. Allele origin: germline. Not counted in ClinVar's aggregate classification.
Comment: Variant summary: HNF1A c.794A>C (p.Tyr265Ser) results in a non-conservative amino acid change located in the Homeobox domain (IPR001356) of the encoded protein sequence. Five of five in-silico tools predict a damaging effect of the variant on protein function. The variant was absent in 249430 control chromosomes. The available data on variant occurrences in the general population are insufficient to allow any conclusion about variant significance. To our knowledge, no occurrence of c.794A>C in individuals affected with Maturity Onset Diabetes Of The Young 3 and no experimental evidence demonstrating its impact on protein function have been reported. Three submitters have cited clinical-significance assessments for this variant to ClinVar after 2014. All submitters classified the variant as uncertain significance. Based on the evidence outlined above, the variant was classified as uncertain significance.

Athena Diagnostics
Classification: Uncertain significance. Last evaluated: 2022-12-09. Review status: criteria provided, single submitter. Criteria: Athena Diagnostics Criteria. Collection method: clinical testing. Allele origin: unknown. Not counted in ClinVar's aggregate classification.
Comment: Available data are insufficient to determine the clinical significance of the variant at this time. This variant has been identified in at least one individual with clinical features associated with this gene. This variant has not been reported in large, multi-ethnic general populations. The variant is located in a region that is considered important for protein function and/or structure.

Genetic Services Laboratory, University of Chicago
Classification: Uncertain significance. Last evaluated: 2020-01-08. Review status: criteria provided, single submitter. Criteria: ACMG Guidelines, 2015. Collection method: clinical testing. Allele origin: germline. Affected: no. Not counted in ClinVar's aggregate classification.

Clinical Genomics, Uppaluri K&H Personalized Medicine Clinic
Classification: Likely pathogenic for Maturity-onset diabetes of the young. Review status: criteria provided, single submitter. Criteria: K & H Uppaluri Personalized Medicine Clinic Variant Classification & Assertion Criteria_Updated V.1. Collection method: research. Allele origin: unknown. Inheritance: Autosomal dominant inheritance. Not counted in ClinVar's aggregate classification.
Comment: Mutations in HNF1A gene can predispose to MODY3. It is associated with both micro and macrovascular complications of diabetes, especially cardiovascular complications. Associated with glucosuria. May respond well to sulfonylureas. However, more evidence is required to confer the association of this particular variant rs1555212006 with MODY3.

Literature cited by the submitters: PubMed 31517624 (cited by Clinical Genomics, Uppaluri K&H Personalized Medicine Clinic); PubMed 32395877 (cited by Clinical Genomics, Uppaluri K&H Personalized Medicine Clinic); PubMed 35328643 (cited by Clinical Genomics, Uppaluri K&H Personalized Medicine Clinic); PubMed 35673428 (cited by Clinical Genomics, Uppaluri K&H Personalized Medicine Clinic).